The following is an entry in ClinVar:

NM_001287.6(CLCN7):c.1783G>A (p.Asp595Asn)

Gene: CLCN7 (chloride voltage-gated channel 7; minus strand). Cytogenetic location: 16p13.3.
Variant type: single nucleotide variant.
Coding change: c.1783G>A on transcript NM_001287.6 (MANE Select); coding-DNA position 1783, G replaced by A.
Protein change: p.Asp595Asn; replaces aspartic acid 595 with asparagine.
Molecular consequence: missense variant.
Genome position (GRCh38, 1-based): chr16:1,448,980, C>T on the plus strand (G>A on the coding strand, the complement: CLCN7 is on the minus strand). VCF-style: chr16-1448980-C-T. GRCh37 (hg19) VCF-style: chr16-1498981-C-T.
Other names: c.1711G>A, p.Asp571Asn (NM_001114331.3); short protein forms D571N, D595N.
Identifiers: ClinVar variation 2894808 (VCV002894808.3), dbSNP rs1162943930, ClinGen allele CA394186549.
Genomic context (GRCh38, chr16:1,448,980, plus strand): 5'-GGCAGCACCCACGCTCTCAGGGTGAGGCTTCGAGGCCCTGGCGCACCTCAATGAAGACGT[C>T]GCCCACGATCTTGGCGGTCATGAGCACCAGCATGATGGGGAAGCCGTAGGTCACGTTGCT-3'
Protein context (NP_001278.1, residues 585-605): LVLMTAKIVG[Asp595Asn]VFIEGLYDMH

ClinVar aggregate classification (germline): Uncertain significance (1 of 4 stars; one submission).

Allele frequency attached by ClinVar (database versions not stated): gnomAD exomes below 0.00001; TOPMed below 0.00001; gnomAD 0.00001.
gnomAD v4.1: 5 of 1,612,578 alleles (0.00031%); highest among the groups gnomAD compares: African/African-American, 0.0027%; no homozygotes.

Submission:

Labcorp Genetics (formerly Invitae), Labcorp
Classification: Uncertain significance. Last evaluated: 2023-09-04. Review status: criteria provided, single submitter. Criteria: Invitae Variant Classification Sherloc (09022015). Collection method: clinical testing. Allele origin: germline.
Comment: This variant has not been reported in the literature in individuals affected with CLCN7-related conditions. This variant is present in population databases (no rsID available, gnomAD 0.003%). This sequence change replaces aspartic acid, which is acidic and polar, with asparagine, which is neutral and polar, at codon 595 of the CLCN7 protein (p.Asp595Asn). In summary, the available evidence is currently insufficient to determine the role of this variant in disease. Therefore, it has been classified as a Variant of Uncertain Significance. An algorithm developed to predict the effect of missense changes on protein structure and function (PolyPhen-2) suggests that this variant is likely to be disruptive.